The following is an entry in ClinVar:

NM_003185.4(TAF4):c.146_175del (p.Glu49_Leu58del)

Gene: TAF4 (TATA-box binding protein associated factor 4; minus strand). Cytogenetic location: 20q13.33.
Variant type: Deletion.
Coding change: c.146_175del on transcript NM_003185.4 (MANE Select); coding-DNA positions 146 to 175, 30 bases deleted (AGGTGCGGGCCGCGGCCGCCGGCGCGCTCG).
Protein change: p.Glu49_Leu58del.
Molecular consequence: inframe deletion.
Genome position (GRCh38, 1-based): chr20:62,065,636-62,065,665, CGAGCGCGCCGGCGGCCGCGGCCCGCACCT deleted on the plus strand (AGGTGCGGGCCGCGGCCGCCGGCGCGCTCG on the coding strand, the reverse complement: TAF4 is on the minus strand); deleting any 30 consecutive bases within chr20:62,065,636-62,065,667 gives the same sequence; the c. name uses the placement nearest the transcript's 3' end. VCF-style (leftmost placement, unchanged base first): chr20-62065635-CCGAGCGCGCCGGCGGCCGCGGCCCGCACCT-C. GRCh37 (hg19) VCF-style: chr20-60640691-CCGAGCGCGCCGGCGGCCGCGGCCCGCACCT-C.
Identifiers: ClinVar variation 4820998 (VCV004820998.4).

ClinVar aggregate classification (germline): Likely benign (1 of 4 stars; one submission).

Submission:

CeGaT Center for Human Genetics Tuebingen
Classification: Likely benign. Last evaluated: 2026-03-01. Review status: criteria provided, single submitter. Criteria: CeGaT Center For Human Genetics Tuebingen Variant Classification Criteria Version 2. Collection method: clinical testing. Allele origin: germline. Affected: yes. Observed: 1 variant allele.
Comment: TAF4: PM4, BS2